The following is an entry in ClinVar:

NM_205861.3(DHDDS):c.874G>A (p.Ala292Thr)

Gene: DHDDS (dehydrodolichyl diphosphate synthase subunit; plus strand). Cytogenetic location: 1p36.11.
Variant type: single nucleotide variant.
Coding change: c.874G>A on transcript NM_205861.3 (MANE Select); coding-DNA position 874, G replaced by A.
Protein change: p.Ala292Thr; replaces alanine 292 with threonine.
Molecular consequence: missense variant.
Genome position (GRCh38, 1-based): chr1:26,469,003, G>A. VCF-style: chr1-26469003-G-A. GRCh37 (hg19) VCF-style: chr1-26795494-G-A.
Other names: c.772G>A, p.Ala258Thr (NM_001243564.2); c.757G>A, p.Ala253Thr (NM_001243565.2); c.595G>A, p.Ala199Thr (NM_001319959.2); c.877G>A, p.Ala293Thr (NM_024887.4); c.877G>A (NM_024887.3); short protein forms A199T, A253T, A258T, A292T, A293T.
Identifiers: ClinVar variation 1063079 (VCV001063079.8), dbSNP rs376234168, ClinGen allele CA705480.

ClinVar aggregate classification (germline): Uncertain significance. Review status: criteria provided, multiple submitters, no conflicts (2 of 4 stars). 3 submissions from 3 submitters: Uncertain significance (2). 1 of the submissions does not count toward it. Last evaluated 2024-12-31.

Conditions:
Retinitis pigmentosa 59 (RP59). Identifiers: Orphanet 791, MedGen C3151227, MONDO:0013468, OMIM 613861.
Inborn genetic diseases. Identifiers: MedGen C0950123, MeSH D030342.

Allele frequency attached by ClinVar (database versions not stated): gnomAD exomes 0.00002 and 0.00006; gnomAD 0.00006 and 0.00007; TOPMed 0.00006; ExAC 0.00007; ESP Exome Variant Server 0.00008.
gnomAD v4.1: 43 of 1,614,000 alleles (0.0027%); highest among the groups gnomAD compares: African/African-American, 0.011%; no homozygotes.

Submissions (3):

Ambry Genetics
Classification: Uncertain significance for Inborn genetic diseases. Last evaluated: 2024-12-31. Review status: criteria provided, single submitter. Criteria: Ambry Variant Classification Scheme 2023. Collection method: clinical testing. Allele origin: germline.

Labcorp Genetics (formerly Invitae), Labcorp
Classification: Uncertain significance for Retinitis pigmentosa 59. Last evaluated: 2024-11-23. Review status: criteria provided, single submitter. Criteria: Invitae Variant Classification Sherloc (09022015). Collection method: clinical testing. Allele origin: germline.
Comment: This sequence change replaces alanine, which is neutral and non-polar, with threonine, which is neutral and polar, at codon 293 of the DHDDS protein (p.Ala293Thr). This variant is present in population databases (rs376234168, gnomAD 0.02%). This variant has not been reported in the literature in individuals affected with DHDDS-related conditions. ClinVar contains an entry for this variant (Variation ID: 1063079). An algorithm developed to predict the effect of missense changes on protein structure and function outputs the following: PolyPhen-2: "Benign". The threonine amino acid residue is found in multiple mammalian species, which suggests that this missense change does not adversely affect protein function. In summary, the available evidence is currently insufficient to determine the role of this variant in disease. Therefore, it has been classified as a Variant of Uncertain Significance.

Natera, Inc.
Classification: Uncertain significance for Retinitis pigmentosa type 59. Last evaluated: 2020-11-06. Review status: no assertion criteria provided. Collection method: clinical testing. Allele origin: germline. Not counted in ClinVar's aggregate classification.